The following is an entry in ClinVar:

ClinVar aggregate classification (germline): Conflicting classifications of pathogenicity. Review status: criteria provided, conflicting classifications (1 of 4 stars). 4 submissions from 3 submitters: Uncertain significance (2); Likely benign (1). 1 of the submissions does not count toward it. Last evaluated 2024-10-25.

Conditions:
FGA-related disorder. Also called: FGA-related condition; FGA-related disorders.
Congenital afibrinogenemia. Identifiers: Orphanet 335, Orphanet 98880, MedGen C2584774, MONDO:0008737, OMIM 202400.
Familial visceral amyloidosis, Ostertag type (AMYLD2). Also called: AMYLOIDOSIS VIII; Ostertag type amyloidosis; Familial visceral amyloidosis; Amyloidosis, hepatic and systemic; AMYLOIDOSIS, HEREDITARY SYSTEMIC 2; Hereditary Renal Amyloidosis. Identifiers: Orphanet 85450, MedGen C0268389, MONDO:0007099, OMIM 105200.

Allele frequency attached by ClinVar (database versions not stated): TOPMed 0.00006; gnomAD exomes 0.00007; ExAC 0.00008; gnomAD 0.00008 and 0.00009.
gnomAD v4.1: 229 of 1,614,028 alleles (0.014%); highest among the groups gnomAD compares: Non-Finnish European, 0.018%; no homozygotes.

Submissions (4):

Mayo Clinic Laboratories, Mayo Clinic
Classification: Uncertain significance. Last evaluated: 2024-10-25. Review status: criteria provided, single submitter. Criteria: ACMG Guidelines, 2015. Collection method: clinical testing. Allele origin: germline. Observed: 1 variant allele.
Comment: BS1_supporting, PM1_supporting

Illumina Laboratory Services, Illumina
Classification: Likely benign for Familial visceral amyloidosis, Ostertag type. Last evaluated: 2018-01-13. Review status: criteria provided, single submitter. Criteria: ICSL Variant Classification Criteria 13 December 2019. Collection method: clinical testing. Allele origin: germline.
Comment: This variant was observed in the ICSL laboratory as part of a predisposition screen in an ostensibly healthy population. It had not been previously curated by ICSL or reported in the Human Gene Mutation Database (HGMD: prior to June 1st, 2018), and was therefore a candidate for classification through an automated scoring system. Utilizing variant allele frequency, disease prevalence and penetrance estimates, and inheritance mode, an automated score was calculated to assess if this variant is too frequent to cause the disease. Based on the score and internal cut-off values, a variant classified as likely benign is not then subjected to further curation. The score for this variant resulted in a classification of likely benign for this disease.

Illumina Laboratory Services, Illumina
Classification: Uncertain significance for Congenital afibrinogenemia. Last evaluated: 2018-01-13. Review status: criteria provided, single submitter. Criteria: ICSL Variant Classification Criteria 13 December 2019. Collection method: clinical testing. Allele origin: germline.

PreventionGenetics, part of Exact Sciences
Classification: Uncertain significance for FGA-related condition. Last evaluated: 2024-07-15. Review status: no assertion criteria provided. Collection method: clinical testing. Allele origin: germline. Not counted in ClinVar's aggregate classification.
Comment: The FGA c.616C>G variant is predicted to result in the amino acid substitution p.Gln206Glu. To our knowledge, this variant has not been reported in the literature. This variant is reported in 0.016% of alleles in individuals of European (Non-Finnish) descent in gnomAD. At this time, the clinical significance of this variant is uncertain due to the absence of conclusive functional and genetic evidence.

NM_021871.4(FGA):c.616C>G (p.Gln206Glu)

Gene: FGA (fibrinogen alpha chain; minus strand). Cytogenetic location: 4q31.3.
Variant type: single nucleotide variant.
Coding change: c.616C>G on transcript NM_021871.4 (MANE Select); coding-DNA position 616, C replaced by G.
Protein change: p.Gln206Glu; replaces glutamine 206 with glutamic acid.
Molecular consequence: missense variant.
Genome position (GRCh38, 1-based): chr4:154,586,813, G>C on the plus strand (C>G on the coding strand, the complement: FGA is on the minus strand). VCF-style: chr4-154586813-G-C. GRCh37 (hg19) VCF-style: chr4-155507965-G-C.
Other names: p.Gln206Glu; c.616C>G (LRG_557t2, NM_000508.4); c.616C>G, p.Gln206Glu (NM_000508.5); short protein forms Q206E.
Identifiers: ClinVar variation 347818 (VCV000347818.7), dbSNP rs560732073, ClinGen allele CA3115245.